The following is an entry in ClinVar:

ClinVar aggregate classification (germline): Uncertain significance (1 of 4 stars; one submission).

Conditions:
Mitochondrial hypertrophic cardiomyopathy with lactic acidosis due to MTO1 deficiency. Also called: Combined oxidative phosphorylation deficiency 10; CARDIOMYOPATHY, INFANTILE HYPERTROPHIC MITOCHONDRIAL, AND LACTIC ACIDOSIS. Identifiers: Orphanet 314637, MedGen C4749921, MONDO:0013865, OMIM 614702.

Allele frequency attached by ClinVar (database versions not stated): ExAC 0.00001.
gnomAD v4.1: 14 of 1,614,016 alleles (0.00087%); highest among the groups gnomAD compares: African/African-American, 0.0013%; no homozygotes.

Submission:

Labcorp Genetics (formerly Invitae), Labcorp
Classification: Uncertain significance for Mitochondrial hypertrophic cardiomyopathy with lactic acidosis due to MTO1 deficiency. Last evaluated: 2025-08-21. Review status: criteria provided, single submitter. Criteria: Invitae Variant Classification Sherloc (09022015). Collection method: clinical testing. Allele origin: germline.
Comment: This sequence change replaces arginine, which is basic and polar, with glutamine, which is neutral and polar, at codon 469 of the MTO1 protein (p.Arg469Gln). This variant is present in population databases (rs750141214, gnomAD 0.0009%). This variant has not been reported in the literature in individuals affected with MTO1-related conditions. ClinVar contains an entry for this variant (Variation ID: 1424293). Invitae Evidence Modeling of protein sequence and biophysical properties (such as structural, functional, and spatial information, amino acid conservation, physicochemical variation, residue mobility, and thermodynamic stability) has been performed for this missense variant. However, the output from this modeling did not meet the statistical confidence thresholds required to predict the impact of this variant on MTO1 protein function. In summary, the available evidence is currently insufficient to determine the role of this variant in disease. Therefore, it has been classified as a Variant of Uncertain Significance.

NM_012123.4(MTO1):c.1406G>A (p.Arg469Gln)

Gene: MTO1 (mitochondrial tRNA translation optimization 1; plus strand). Cytogenetic location: 6q13.
Variant type: single nucleotide variant.
Coding change: c.1406G>A on transcript NM_012123.4 (MANE Select); coding-DNA position 1406, G replaced by A.
Protein change: p.Arg469Gln; replaces arginine 469 with glutamine.
Molecular consequence: missense variant.
Genome position (GRCh38, 1-based): chr6:73,482,185, G>A. VCF-style: chr6-73482185-G-A. GRCh37 (hg19) VCF-style: chr6-74191908-G-A.
Other names: c.1526G>A, p.Arg509Gln (NM_001123226.2); c.1481G>A, p.Arg494Gln (NM_133645.3); short protein forms R509Q, R469Q, R494Q.
Identifiers: ClinVar variation 1424293 (VCV001424293.8), dbSNP rs750141214, ClinGen allele CA3889636.